The following is an entry in ClinVar:

ClinVar aggregate classification (germline): Likely benign. Review status: criteria provided, multiple submitters, no conflicts (2 of 4 stars). 2 submissions from 2 submitters: Likely benign (2). Last evaluated 2024-02-01.

Allele frequency attached by ClinVar (database versions not stated): gnomAD exomes below 0.00001 and 0.00001; TOPMed 0.00001; ExAC 0.00002.
gnomAD v4.1: 2 of 1,535,018 alleles (0.00013%); highest among the groups gnomAD compares: South Asian, 0.0012%; no homozygotes.

Submissions (2):

CeGaT Center for Human Genetics Tuebingen
Classification: Likely benign. Last evaluated: 2024-02-01. Review status: criteria provided, single submitter. Criteria: CeGaT Center For Human Genetics Tuebingen Variant Classification Criteria Version 2. Collection method: clinical testing. Allele origin: germline. Affected: yes. Observed: 1 variant allele.
Comment: BRSK2: BP4

Labcorp Genetics (formerly Invitae), Labcorp
Classification: Likely benign. Last evaluated: 2018-05-08. Review status: criteria provided, single submitter. Criteria: Invitae Variant Classification Sherloc (09022015). Collection method: clinical testing. Allele origin: germline.

NM_001256627.2(BRSK2):c.1288-6A>G

Gene: BRSK2 (BR serine/threonine kinase 2; plus strand). Cytogenetic location: 11p15.5.
Variant type: single nucleotide variant.
Coding change: c.1288-6A>G on transcript NM_001256627.2 (MANE Select); 6 bases into the intron before coding-DNA position 1288, A replaced by G.
Molecular consequence: intron variant.
Genome position (GRCh38, 1-based): chr11:1,450,581, A>G. VCF-style: chr11-1450581-A-G. GRCh37 (hg19) VCF-style: chr11-1471811-A-G.
Other names: c.1288-6A>G (NM_001256629.2, NM_003957.4); c.1108-6A>G (NM_001282218.2); c.1426-6A>G (NM_001256630.1).
Identifiers: ClinVar variation 743381 (VCV000743381.25), dbSNP rs745805956, ClinGen allele CA5811002.